The following is an entry in ClinVar:

ClinVar aggregate classification (germline): Pathogenic (1 of 4 stars; one submission).

Submission:

Labcorp Genetics (formerly Invitae), Labcorp
Classification: Pathogenic. Last evaluated: 2023-12-22. Review status: criteria provided, single submitter. Criteria: Invitae Variant Classification Sherloc (09022015). Collection method: clinical testing. Allele origin: germline.
Comment: This sequence change creates a premature translational stop signal (p.Leu1445Cysfs*25) in the ABCC2 gene. It is expected to result in an absent or disrupted protein product. Loss-of-function variants in ABCC2 are known to be pathogenic (PMID: 9185779, 16549534, 16952291). This variant is not present in population databases (gnomAD no frequency). This variant has not been reported in the literature in individuals affected with ABCC2-related conditions. For these reasons, this variant has been classified as Pathogenic.

Literature cited by the submitters: PubMed 9185779; PubMed 16549534; PubMed 16952291.

NM_000392.5(ABCC2):c.4333del (p.Leu1445fs)

Gene: ABCC2 (ATP binding cassette subfamily C member 2; plus strand). Cytogenetic location: 10q24.2.
Variant type: Deletion.
Coding change: c.4333del on transcript NM_000392.5 (MANE Select); coding-DNA position 4333, one base deleted (C; older notation c.4333delC).
Protein change: p.Leu1445fs; shifts the reading frame from leucine 1445.
Molecular consequence: frameshift variant.
Genome position (GRCh38, 1-based): chr10:99,850,621, C deleted. VCF-style (leftmost placement, unchanged base first): chr10-99850620-GC-G. GRCh37 (hg19) VCF-style: chr10-101610377-GC-G.
Other names: short protein forms L1445fs.
Identifiers: ClinVar variation 2704928 (VCV002704928.3), dbSNP rs2493061190, ClinGen allele CA2697558688.